The following is an entry in ClinVar:

ClinVar aggregate classification (germline): Likely benign. Review status: criteria provided, multiple submitters, no conflicts (2 of 4 stars). 3 submissions from 3 submitters: Likely benign (2). 1 of the submissions does not count toward it. Last evaluated 2025-07-22.

Conditions:
CEP250-related disorder. Also called: CEP250-related condition.

Allele frequency attached by ClinVar (database versions not stated): 1000 Genomes Project 0.00200; 1000 Genomes Project 30x 0.00203.
gnomAD v4.1: 466 of 1,613,906 alleles (0.029%); highest among the groups gnomAD compares: South Asian, 0.47%; 3 homozygotes.

Submissions (3):

Labcorp Genetics (formerly Invitae), Labcorp
Classification: Likely benign. Last evaluated: 2025-07-22. Review status: criteria provided, single submitter. Criteria: Invitae Variant Classification Sherloc (09022015). Collection method: clinical testing. Allele origin: germline.

Blueprint Genetics
Classification: Likely benign. Last evaluated: 2024-11-25. Review status: criteria provided, single submitter. Criteria: ACMG Guidelines, 2015. Collection method: clinical testing. Allele origin: germline.

PreventionGenetics, part of Exact Sciences
Classification: Likely benign for CEP250-related condition. Last evaluated: 2019-06-21. Review status: no assertion criteria provided. Collection method: clinical testing. Allele origin: germline. Not counted in ClinVar's aggregate classification.
Comment: This variant is classified as likely benign based on ACMG/AMP sequence variant interpretation guidelines (Richards et al. 2015 PMID: 25741868, with internal and published modifications).

NM_007186.6(CEP250):c.5798C>T (p.Ala1933Val)

Gene: CEP250 (centrosomal protein 250; plus strand). Cytogenetic location: 20q11.22.
Variant type: single nucleotide variant.
Coding change: c.5798C>T on transcript NM_007186.6 (MANE Select); coding-DNA position 5798, C replaced by T.
Protein change: p.Ala1933Val; replaces alanine 1933 with valine.
Molecular consequence: missense variant.
Genome position (GRCh38, 1-based): chr20:35,504,167, C>T. VCF-style: chr20-35504167-C-T. GRCh37 (hg19) VCF-style: chr20-34091995-C-T.
Other names: c.3902C>T, p.Ala1301Val (NM_001318219.1); c.5798C>T (NM_007186.5); short protein forms A1301V, A1933V.
Identifiers: ClinVar variation 1082830 (VCV001082830.12), dbSNP rs116637219, ClinGen allele CA9833934.
Genomic context (GRCh38, chr20:35,504,167, plus strand): 5'-AGGCACAGGAGCATGAGGTGGAGACCAGGGCCCTGCAGGACAGCTGGCTGCAGGCCCAGG[C>T]AGTGCTCAAGGAACGGGACCAGGAGCTGGAAGCTCTGCGGGCAGAAAGTCAGTCCTCCCG-3'
Protein context (NP_009117.2, residues 1923-1943): ALQDSWLQAQ[Ala1933Val]VLKERDQELE